The following is an entry in ClinVar:

NM_032043.3(BRIP1):c.550G>T (p.Asp184Tyr)

Gene: BRIP1 (BRCA1 interacting DNA helicase 1; minus strand). Cytogenetic location: 17q23.2.
Variant type: single nucleotide variant.
Coding change: c.550G>T on transcript NM_032043.3 (MANE Select); coding-DNA position 550, G replaced by T.
Protein change: p.Asp184Tyr; replaces aspartic acid 184 with tyrosine.
Molecular consequence: missense variant.
Genome position (GRCh38, 1-based): chr17:61,847,178, C>A on the plus strand (G>T on the coding strand, the complement: BRIP1 is on the minus strand). VCF-style: chr17-61847178-C-A. GRCh37 (hg19) VCF-style: chr17-59924539-C-A.
Other names: p.D184Y:GAT>TAT; short protein forms D184Y.
Identifiers: ClinVar variation 143021 (VCV000143021.76), dbSNP rs201047375, ClinGen allele CA294540.

ClinVar aggregate classification (germline): Conflicting classifications of pathogenicity. Review status: criteria provided, conflicting classifications (1 of 4 stars). 24 submissions from 24 submitters: Uncertain significance (21); Benign (1). 2 of the submissions do not count toward it. Last evaluated 2026-03-20.

Conditions:
Ovarian cancer. Also called: OVARIAN CANCER, SOMATIC. Identifiers: Orphanet 213500, MedGen C1140680, MONDO:0008170, OMIM 167000.
Fanconi anemia complementation group J. Also called: BRIP1-Related Fanconi Anemia. Identifiers: Orphanet 84, MedGen C1836860, MONDO:0012187, OMIM 609054.
Familial ovarian cancer. Identifiers: MedGen C5679802, MONDO:0016248.
BRIP1-related disorder. Also called: BRIP1-related condition; BRIP1-related disorders. Identifiers: MedGen CN239206.
Familial cancer of breast. Also called: Hereditary breast cancer; hereditary breast carcinoma; BREAST CANCER, FAMILIAL. Identifiers: Orphanet 227535, MedGen C0346153, MONDO:0016419, OMIM 114480. Disease mechanism: loss of function.
Hereditary cancer-predisposing syndrome. Also called: Tumor predisposition; Hereditary neoplastic syndrome; Hereditary Cancer Syndrome; Neoplastic Syndromes, Hereditary. Identifiers: Orphanet 140162, MedGen C0027672, MeSH D009386, MONDO:0015356.
Hereditary breast ovarian cancer syndrome. Also called: Hereditary breast and ovarian cancer; Hereditary breast and/or ovarian cancer syndrome; BRCA1- and BRCA2-Associated Hereditary Breast and Ovarian Cancer; Hereditary breast and ovarian cancer syndrome (HBOC); Hereditary breast and ovarian cancer syndrome; Breast and ovarian cancer. Identifiers: Orphanet 145, MedGen C0677776, MeSH D061325, MONDO:0003582. Disease mechanism: loss of function.
Breast-ovarian cancer, familial, susceptibility to, 2 (BROVCA2). Also called: BRCA2 Hereditary Breast and Ovarian Cancer. Identifiers: Orphanet 145, MedGen C2675520, MONDO:0012933, OMIM 612555. Disease mechanism: loss of function.
Malignant tumor of breast. Also called: Cancer breast; Malignant breast neoplasm. Identifiers: MedGen C0006142, MONDO:0007254. Disease mechanism: loss of function.

Allele frequency attached by ClinVar (database versions not stated): gnomAD 0.00006; ESP Exome Variant Server 0.00008; TOPMed 0.00008; gnomAD exomes 0.00010; ExAC 0.00016.
gnomAD v4.1: 164 of 1,613,478 alleles (0.01%); highest among the groups gnomAD compares: Middle Eastern, 0.016%; no homozygotes.

Submissions 1 to 6 of 24:

Women's Health and Genetics/Laboratory Corporation of America, LabCorp
Classification: Uncertain significance. Last evaluated: 2026-03-20. Review status: criteria provided, single submitter. Criteria: LabCorp Variant Classification Summary - May 2015. Collection method: clinical testing. Allele origin: germline.
Comment: Variant summary: BRIP1 c.550G>T (p.Asp184Tyr) results in a non-conservative amino acid change located in the Helicase-like, DEXD box c2 type domain of the encoded protein sequence. Algorithms developed to predict the effect of missense changes on protein structure and function are either unavailable or do not agree on the potential impact of this missense change. Consensus agreement among computation tools predict no significant impact on normal splicing. However, a functional study, Velazquez_2019, found the variant to cause exon 5 skipping, suggestive of a potential pathogenic effect due to the disruption of the helicase domain of BRIP1. The variant allele was found at a frequency of 0.0001 in 251332 control chromosomes, predominantly at a frequency of 0.00022 within the Non-Finnish European subpopulation in the gnomAD database. The observed variant frequency within Non-Finnish European control individuals in the gnomAD database exceeds the estimated maximal expected allele frequency for disease-causing variants in BRIP1. c.550G>T has been reported in the literature in sequencing studies of individuals affected with Breast, Prostate, Pancreatic, Colon, and unidentified cancers as well as in unaffected controls (example, Dudley_2018, Easton_2016, Fostira_2018, Lu_2015, Mouradov_2014, Rummel_2017, Shirts_2015, Tsaousis_2019, Tung_2014, Velazquez_2019, Weber-Lassalle_2018, Yurgelun_2015). One family, described in Velazquez_2019, shows the variant does not segregate with disease, possibly suggesting reduced penetrance. The following publications have been ascertained in the context of this evaluation (PMID: 29360161, 26921362, 29335925, 26689913, 24755471, 28503720, 26845104, 31159747, 25186627, 30230034, 29368626, 25980754). ClinVar contains an entry for this variant (Variation ID: 143021). Based on the evidence outlined above, the variant was classified as uncertain significance.

Labcorp Genetics (formerly Invitae), Labcorp
Classification: Uncertain significance for Familial cancer of breast; Fanconi anemia complementation group J. Last evaluated: 2026-01-25. Review status: criteria provided, single submitter. Criteria: Invitae Variant Classification Sherloc (09022015). Collection method: clinical testing. Allele origin: germline.
Comment: This sequence change replaces aspartic acid, which is acidic and polar, with tyrosine, which is neutral and polar, at codon 184 of the BRIP1 protein (p.Asp184Tyr). This variant is present in population databases (rs201047375, gnomAD 0.02%). This missense change has been observed in individual(s) with breast cancer and Lynch syndrome-associated cancers (PMID: 25186627, 25980754, 26845104, 26921362, 28503720, 29335925, 29368626, 30230034, 35534704, 35980532). ClinVar contains an entry for this variant (Variation ID: 143021). Invitae Evidence Modeling of protein sequence and biophysical properties (such as structural, functional, and spatial information, amino acid conservation, physicochemical variation, residue mobility, and thermodynamic stability) indicates that this missense variant is not expected to disrupt BRIP1 protein function with a negative predictive value of 95%. RNA analysis performed to evaluate the impact of this missense change on mRNA splicing indicates it does not significantly alter splicing (internal data). In summary, the available evidence is currently insufficient to determine the role of this variant in disease. Therefore, it has been classified as a Variant of Uncertain Significance.

Center for Genomic Medicine, Rigshospitalet, Copenhagen University Hospital
Classification: Uncertain significance. Last evaluated: 2025-12-29. Review status: criteria provided, single submitter. Criteria: ACMG Guidelines, 2015. Collection method: clinical testing. Allele origin: germline.

Color Diagnostics, LLC DBA Color Health
Classification: Uncertain significance for Hereditary cancer-predisposing syndrome. Last evaluated: 2025-12-10. Review status: criteria provided, single submitter. Criteria: ACMG Guidelines, 2015. Collection method: clinical testing. Allele origin: germline.
Comment: This missense variant replaces aspartic acid with tyrosine at codon 184 of the BRIP1 protein. An RNA study has indicated that this variant causes an in-frame skipping of exon 5 (PMID: 30230034). Computational predictions are inconclusive regarding the impact of this variant on protein structure and function. To our knowledge, functional studies have not been reported for this variant. This variant has been reported in individuals affected with breast cancer (PMID: 25186627, 26845104, 26921362, 28503720, 29335925, 29368626, 30230034) and Lynch syndrome-associated cancer and/or polyps (PMID: 25980754), as well as in unaffected control individuals (PMID: 26921362, 29368626). This variant has been detected in a breast cancer case-control meta-analysis in 17/60466 cases and 15/53461 unaffected individuals (PMID: 33471991LOVD DB-ID BRIP1_000202). This variant has been detected in 2 individuals older than age 70 years who have never had cancer (FLOSSIES database). This variant has been identified in 164/1613478 chromosomes in the general population by the Genome Aggregation Database (gnomAD). The available evidence is insufficient to determine the role of this variant in disease conclusively. Therefore, this variant is classified as a Variant of Uncertain Significance.

PreventionGenetics, part of Exact Sciences
Classification: Uncertain significance for BRIP1-related condition. Last evaluated: 2025-11-29. Review status: criteria provided, single submitter. Criteria: ACMG Guidelines, 2015. Collection method: clinical testing. Allele origin: germline.
Comment: The BRIP1 c.550G>T variant is predicted to result in the amino acid substitution p.Asp184Tyr. This variant has been reported in individuals with breast and/or ovarian cancer (Supplementary Table S1, Shirts et al. 2016. PubMed ID: 26845104; Rummel et al. 2017. PubMed ID: 28503720; Fostira et al. 2018. PubMed ID: 29335925; Supplementary Table S5, Tsaousis et al. 2019. PubMed ID: 31159747) and an individual undergoing testing for Lynch syndrome (Yurgelun et al. 2015. PubMed ID: 25980754). One in vitro study indicated that the c.550G>T (p.Asp184Tyr) variant may result exon 5 skipping; however, full-length transcript is also produced (Velázquez et al. 2018. PubMed ID: 30230034). Additionally, this variant has been identified in healthy controls (Easton et al. 2016. PubMed ID: 26921362). This variant is reported in 0.021% of alleles in individuals of European (Non-Finnish) descent in gnomAD and is interpreted as uncertain in ClinVar (Variation ID: 143021). At this time, the clinical significance of this variant is uncertain due to the absence of conclusive functional and genetic evidence.

Ambry Genetics
Classification: Uncertain significance for Hereditary cancer-predisposing syndrome. Last evaluated: 2025-11-10. Review status: criteria provided, single submitter. Criteria: Ambry Variant Classification Scheme 2023. Collection method: clinical testing. Allele origin: germline.
Comment: The p.D184Y variant (also known as c.550G>T), located in coding exon 5 of the BRIP1 gene, results from a G to T substitution at nucleotide position 550. The aspartic acid at codon 184 is replaced by tyrosine, an amino acid with highly dissimilar properties. RNA analyses performed on individuals heterozygous for this alteration have identified both normal transcript, as well as an abnormal transcript lacking exon 5 (Vel&aacute;zquez C et al. Mol. Carcinog. 2018 Sep). In silico splice site analysis predicts that this alteration will not have any significant effect on splicing. RNA studies have demonstrated that this alteration does not result in abnormal splicing in the set of samples tested (Ambry internal data). This amino acid position is well conserved in available vertebrate species. In addition, the in silico prediction for this alteration is inconclusive. Since supporting evidence is limited at this time, the clinical significance of this alteration remains unclear.